The following is an entry in ClinVar:

NM_001127222.2(CACNA1A):c.3896G>A (p.Gly1299Glu)

Genes: CACNA1A (calcium voltage-gated channel subunit alpha1 A; minus strand), LOC126862865 (CDK7 strongly-dependent group 2 enhancer GRCh37_chr19:13385818-13387017; plus strand). Cytogenetic location: 19p13.13.
Variant type: single nucleotide variant.
Coding change: c.3896G>A on transcript NM_001127222.2 (MANE Select); coding-DNA position 3896, G replaced by A.
Protein change: p.Gly1299Glu; replaces glycine 1299 with glutamic acid.
Molecular consequence: missense variant.
Genome position (GRCh38, 1-based): chr19:13,275,943, C>T on the plus strand (G>A on the coding strand, the complement: CACNA1A is on the minus strand). VCF-style: chr19-13275943-C-T. GRCh37 (hg19) VCF-style: chr19-13386757-C-T.
Other names: c.3908G>A, p.Gly1303Glu (NM_000068.4, NM_023035.3); c.3899G>A, p.Gly1300Glu (NM_001127221.2, NM_001174080.2); short protein forms G1299E, G1300E, G1303E.
Identifiers: ClinVar variation 5042046 (VCV005042046.1).

ClinVar aggregate classification (germline): Likely pathogenic (1 of 4 stars; one submission).

Conditions:
Developmental and epileptic encephalopathy, 42 (DEE42A). Also called: Epileptic encephalopathy, early infantile, 42; DEVELOPMENTAL AND EPILEPTIC ENCEPHALOPATHY 42A; EPILEPTIC ENCEPHALOPATHY, EARLY INFANTILE, 42A. Identifiers: MedGen C4310716, MONDO:0014917, OMIM 617106.

Submission:

Clinical Genetics Laboratory, University Hospital Schleswig-Holstein
Classification: Likely pathogenic for Developmental and epileptic encephalopathy, 42. Last evaluated: 2025-05-19. Review status: criteria provided, single submitter. Criteria: ACMG Guidelines, 2015. Collection method: clinical testing. Allele origin: de novo. Affected: yes. Observed: 1 heterozygote.
Comment: ACMG criteria applied: PM2, PP2, PP3, PS2_Moderate